The following is an entry in ClinVar:

NM_006073.4(TRDN):c.1218A>T (p.Pro406=)

Gene: TRDN (triadin; minus strand). Cytogenetic location: 6q22.31.
Variant type: single nucleotide variant.
Coding change: c.1218A>T on transcript NM_006073.4 (MANE Select); coding-DNA position 1218, A replaced by T.
Protein change: p.Pro406=; no amino-acid change (proline 406 retained).
Molecular consequence: synonymous variant.
Genome position (GRCh38, 1-based): chr6:123,377,867, T>A on the plus strand (A>T on the coding strand, the complement: TRDN is on the minus strand). VCF-style: chr6-123377867-T-A. GRCh37 (hg19) VCF-style: chr6-123699012-T-A.
Other names: c.1221A>T, p.Pro407= (NM_001251987.2); c.1161A>T, p.Pro387= (NM_001407315.1).
Identifiers: ClinVar variation 1923495 (VCV001923495.5), dbSNP rs1378354655, ClinGen allele CA452054811.

ClinVar aggregate classification (germline): Uncertain significance (1 of 4 stars; one submission).

Conditions:
Catecholaminergic polymorphic ventricular tachycardia 1. Also called: RYR2-Related Catecholaminergic Polymorphic Ventricular Tachycardia; VENTRICULAR TACHYCARDIA, CATECHOLAMINERGIC POLYMORPHIC, 1, WITH OR WITHOUT ATRIAL DYSFUNCTION AND/OR DILATED CARDIOMYOPATHY; VENTRICULAR TACHYCARDIA, STRESS-INDUCED POLYMORPHIC 1. Identifiers: Orphanet 3286, MedGen C1631597, MONDO:0011484, OMIM 604772.

Allele frequency attached by ClinVar (database versions not stated): TOPMed below 0.00001; gnomAD 0.00001; gnomAD exomes 0.00001.
gnomAD v4.1: 10 of 1,557,160 alleles (0.00064%); highest among the groups gnomAD compares: Non-Finnish European, 0.00088%; no homozygotes.

Submission:

Labcorp Genetics (formerly Invitae), Labcorp
Classification: Uncertain significance for Catecholaminergic polymorphic ventricular tachycardia 1. Last evaluated: 2022-02-08. Review status: criteria provided, single submitter. Criteria: Invitae Variant Classification Sherloc (09022015). Collection method: clinical testing. Allele origin: germline.
Comment: In summary, the available evidence is currently insufficient to determine the role of this variant in disease. Therefore, it has been classified as a Variant of Uncertain Significance. Algorithms developed to predict the effect of sequence changes on RNA splicing suggest that this variant may disrupt the consensus splice site. This variant has not been reported in the literature in individuals affected with TRDN-related conditions. This variant is not present in population databases (gnomAD no frequency). This sequence change affects codon 406 of the TRDN mRNA. It is a 'silent' change, meaning that it does not change the encoded amino acid sequence of the TRDN protein. It affects a nucleotide within the consensus splice site.